The following is an entry in ClinVar:

ClinVar aggregate classification (germline): Likely pathogenic (1 of 4 stars; one submission).

Conditions:
X-linked intellectual disability, Cantagrel type (XLID98). Also called: INTELLECTUAL DEVELOPMENTAL DISORDER, X-LINKED 98. Identifiers: Orphanet 85277, MedGen C3806730, MONDO:0010483, OMIM 300912.

Submission:

Institute of Human Genetics, University of Leipzig Medical Center
Classification: Likely pathogenic for X-linked intellectual disability, Cantagrel type. Last evaluated: 2021-08-19. Review status: criteria provided, single submitter. Criteria: ACMG Guidelines, 2015. Collection method: clinical testing. Allele origin: maternal. Affected: yes.
Comment: This variant was identified as hemizygous.

NM_001008537.3(NEXMIF):c.67del (p.Val23fs)

Gene: NEXMIF (neurite extension and migration factor; minus strand). Cytogenetic location: Xq13.3.
Variant type: Deletion.
Coding change: c.67del on transcript NM_001008537.3 (MANE Select); coding-DNA position 67, one base deleted (G; older notation c.67delG).
Protein change: p.Val23fs; shifts the reading frame from valine 23.
Molecular consequence: frameshift variant.
Genome position (GRCh38, 1-based): chrX:74,745,584, C deleted on the plus strand (G on the coding strand, the reverse complement: NEXMIF is on the minus strand); the first of 4 consecutive C bases (chrX:74,745,584-74,745,587); deleting any one gives the same sequence. VCF-style (leftmost placement, unchanged base first): chrX-74745583-AC-A. GRCh37 (hg19) VCF-style: chrX-73965418-AC-A.
Other names: short protein forms V23fs.
Identifiers: ClinVar variation 1297047 (VCV001297047.1), dbSNP rs2147442619, ClinGen allele CA2499226857.